The following is an entry in ClinVar:

NM_000138.5(FBN1):c.7454-2A>G

Gene: FBN1 (fibrillin 1; minus strand). Cytogenetic location: 15q21.1.
Variant type: single nucleotide variant.
Coding change: c.7454-2A>G on transcript NM_000138.5 (MANE Select); the canonical splice acceptor site of the intron before coding-DNA position 7454, A replaced by G.
Molecular consequence: splice acceptor variant.
Genome position (GRCh38, 1-based): chr15:48,422,070, T>C on the plus strand (A>G on the coding strand, the complement: FBN1 is on the minus strand). VCF-style: chr15-48422070-T-C. GRCh37 (hg19) VCF-style: chr15-48714267-T-C.
Other names: c.7454-2A>G (NM_001406716.1).
Identifiers: ClinVar variation 856210 (VCV000856210.10), dbSNP rs2042947959, ClinGen allele CA392326305.

ClinVar aggregate classification (germline): Pathogenic (1 of 4 stars; one submission).

Conditions:
Familial thoracic aortic aneurysm and aortic dissection (TAAD). Also called: Thoracic aortic aneurysms and dissections. Identifiers: Orphanet 91387, MedGen C4707243, MONDO:0019625.
Marfan syndrome (MFS). Also called: FBN1-Related Marfan Syndrome; Marfan's syndrome; MARFAN SYNDROME, TYPE I; Marfan syndrome type 1; Marfan syndrome, classic. Identifiers: Orphanet 284963, Orphanet 558, MedGen C0024796, MONDO:0007947, OMIM 154700.

Submission:

Labcorp Genetics (formerly Invitae), Labcorp
Classification: Pathogenic for Marfan syndrome; Familial thoracic aortic aneurysm and aortic dissection. Last evaluated: 2019-04-01. Review status: criteria provided, single submitter. Criteria: Invitae Variant Classification Sherloc (09022015). Collection method: clinical testing. Allele origin: germline.
Comment: For these reasons, this variant has been classified as Pathogenic. Donor and acceptor splice site variants typically lead to a loss of protein function (PMID: 16199547), and loss-of-function variants in FBN1 are known to be pathogenic (PMID: 17657824, 19293843). Disruption of this splice site has been observed in individuals affected with Marfan syndrome (PMID: 16222657, Invitae). This sequence change affects an acceptor splice site in intron 60 of the FBN1 gene. It is expected to disrupt RNA splicing and likely results in an absent or disrupted protein product. This variant is not present in population databases (ExAC no frequency).

Literature cited by the submitters: PubMed 16199547; PubMed 17657824; PubMed 19293843; PubMed 16222657.